The following is an entry in ClinVar:

NM_001375834.1(WIPF1):c.595C>T (p.His199Tyr)

Gene: WIPF1 (WAS/WASL interacting protein family member 1; minus strand). Cytogenetic location: 2q31.1.
Variant type: single nucleotide variant.
Coding change: c.595C>T on transcript NM_001375834.1 (MANE Select); coding-DNA position 595, C replaced by T.
Protein change: p.His199Tyr; replaces histidine 199 with tyrosine.
Molecular consequence: missense variant.
Genome position (GRCh38, 1-based): chr2:174,572,210, G>A on the plus strand (C>T on the coding strand, the complement: WIPF1 is on the minus strand). VCF-style: chr2-174572210-G-A. GRCh37 (hg19) VCF-style: chr2-175436938-G-A.
Other names: c.595C>T, p.His199Tyr (NM_001077269.1, NM_001375832.1, NM_001375833.1 and 5 more transcripts); c.217C>T, p.His73Tyr (NM_001375839.1); short protein forms H199Y, H73Y.
Identifiers: ClinVar variation 1059191 (VCV001059191.9), dbSNP rs776631046, ClinGen allele CA1974100.

ClinVar aggregate classification (germline): Uncertain significance (1 of 4 stars; one submission).

Conditions:
Wiskott-Aldrich syndrome 2 (WAS2). Also called: WIPF1 DEFICIENCY. Identifiers: Orphanet 906, MedGen C3281001, MONDO:0013779, OMIM 614493.

Allele frequency attached by ClinVar (database versions not stated): TOPMed below 0.00001; ExAC 0.00001; gnomAD exomes 0.00001 and 0.00002.
gnomAD v4.1: 8 of 1,614,202 alleles (0.0005%); highest among the groups gnomAD compares: South Asian, 0.0088%; no homozygotes.

Submission:

Labcorp Genetics (formerly Invitae), Labcorp
Classification: Uncertain significance for Wiskott-Aldrich syndrome 2. Last evaluated: 2022-10-24. Review status: criteria provided, single submitter. Criteria: Invitae Variant Classification Sherloc (09022015). Collection method: clinical testing. Allele origin: germline.
Comment: In summary, the available evidence is currently insufficient to determine the role of this variant in disease. Therefore, it has been classified as a Variant of Uncertain Significance. Algorithms developed to predict the effect of missense changes on protein structure and function output the following: SIFT: "Not Available"; PolyPhen-2: "Possibly Damaging"; Align-GVGD: "Not Available". The tyrosine amino acid residue is found in multiple mammalian species, which suggests that this missense change does not adversely affect protein function. ClinVar contains an entry for this variant (Variation ID: 1059191). This variant has not been reported in the literature in individuals affected with WIPF1-related conditions. This variant is present in population databases (rs776631046, gnomAD 0.01%). This sequence change replaces histidine, which is basic and polar, with tyrosine, which is neutral and polar, at codon 199 of the WIPF1 protein (p.His199Tyr).